The following is an entry in ClinVar:

NM_019594.4(LRRC8A):c.2234C>T (p.Ser745Leu)

Gene: LRRC8A (leucine rich repeat containing 8 VRAC subunit A; plus strand). Cytogenetic location: 9q34.11.
Variant type: single nucleotide variant.
Coding change: c.2234C>T on transcript NM_019594.4 (MANE Select); coding-DNA position 2234, C replaced by T.
Protein change: p.Ser745Leu; replaces serine 745 with leucine.
Molecular consequence: missense variant.
Genome position (GRCh38, 1-based): chr9:128,916,172, C>T. VCF-style: chr9-128916172-C-T. GRCh37 (hg19) VCF-style: chr9-131678451-C-T.
Other names: c.2234C>T, p.Ser745Leu (NM_001127244.2, NM_001127245.2); short protein forms S745L.
Identifiers: ClinVar variation 1415661 (VCV001415661.6), dbSNP rs1284350700, ClinGen allele CA375091995.

ClinVar aggregate classification (germline): Uncertain significance (1 of 4 stars; one submission).

Allele frequency attached by ClinVar (database versions not stated): TOPMed below 0.00001; gnomAD 0.00001; gnomAD exomes 0.00001.
gnomAD v4.1: 9 of 1,613,318 alleles (0.00056%); highest among the groups gnomAD compares: Non-Finnish European, 0.00076%; no homozygotes.

Submission:

Labcorp Genetics (formerly Invitae), Labcorp
Classification: Uncertain significance. Last evaluated: 2021-11-28. Review status: criteria provided, single submitter. Criteria: Invitae Variant Classification Sherloc (09022015). Collection method: clinical testing. Allele origin: germline.
Comment: In summary, the available evidence is currently insufficient to determine the role of this variant in disease. Therefore, it has been classified as a Variant of Uncertain Significance. Algorithms developed to predict the effect of missense changes on protein structure and function are either unavailable or do not agree on the potential impact of this missense change (SIFT: "Deleterious"; PolyPhen-2: "Benign"; Align-GVGD: "Class C65"). This variant has not been reported in the literature in individuals affected with LRRC8A-related conditions. This variant is not present in population databases (gnomAD no frequency). This sequence change replaces serine, which is neutral and polar, with leucine, which is neutral and non-polar, at codon 745 of the LRRC8A protein (p.Ser745Leu).